The following is an entry in ClinVar:

NM_000255.4(MMUT):c.330T>G (p.Tyr110Ter)

Gene: MMUT (methylmalonyl-CoA mutase; minus strand). Cytogenetic location: 6p12.3.
Variant type: single nucleotide variant.
Coding change: c.330T>G on transcript NM_000255.4 (MANE Select); coding-DNA position 330, T replaced by G.
Protein change: p.Tyr110Ter; replaces tyrosine 110 with a stop codon.
Molecular consequence: nonsense.
Genome position (GRCh38, 1-based): chr6:49,459,137, A>C on the plus strand (T>G on the coding strand, the complement: MMUT is on the minus strand). VCF-style: chr6-49459137-A-C. GRCh37 (hg19) VCF-style: chr6-49426850-A-C.
Other names: short protein forms Y110*.
Identifiers: ClinVar variation 222909 (VCV000222909.10), dbSNP rs879253826, ClinGen allele CA10575885.

ClinVar aggregate classification (germline): Pathogenic. Review status: criteria provided, multiple submitters, no conflicts (2 of 4 stars). 2 submissions from 2 submitters: Pathogenic (2). Last evaluated 2024-03-11.

Conditions:
Methylmalonic aciduria due to methylmalonyl-CoA mutase deficiency (MAMM). Also called: Methylmalonic aciduria, mut type. Identifiers: Orphanet 27, MedGen C1855114, MONDO:0009612, OMIM 251000.

Allele frequency attached by ClinVar (database versions not stated): gnomAD exomes below 0.00001 and 0.00001; TOPMed 0.00001; gnomAD 0.00003.
gnomAD v4.1: 4 of 1,614,180 alleles (0.00025%); highest among the groups gnomAD compares: Non-Finnish European, 0.00034%; no homozygotes.

Submissions (2):

Labcorp Genetics (formerly Invitae), Labcorp
Classification: Pathogenic. Last evaluated: 2024-03-11. Review status: criteria provided, single submitter. Criteria: Invitae Variant Classification Sherloc (09022015). Collection method: clinical testing. Allele origin: germline.
Comment: This sequence change creates a premature translational stop signal (p.Tyr110*) in the MUT gene. It is expected to result in an absent or disrupted protein product. Loss-of-function variants in MUT are known to be pathogenic (PMID: 15781192). This variant is present in population databases (no rsID available, gnomAD 0.002%). This premature translational stop signal has been observed in individual(s) with methylmalonic aciduria (PMID: 27167370). ClinVar contains an entry for this variant (Variation ID: 222909). Algorithms developed to predict the effect of sequence changes on RNA splicing suggest that this variant may disrupt the consensus splice site. For these reasons, this variant has been classified as Pathogenic.

University Children's Hospital, University of Zurich
Classification: Pathogenic for Methylmalonic aciduria due to methylmalonyl-CoA mutase deficiency. Review status: criteria provided, single submitter. Criteria: Forny et al. (Hum Mutat. 2016). Collection method: clinical testing. Allele origin: germline. Inheritance: Autosomal recessive inheritance. Affected: yes.

Literature cited by the submitters: PubMed 15781192 (cited by Labcorp Genetics (formerly Invitae), Labcorp); PubMed 27167370 (cited by Labcorp Genetics (formerly Invitae), Labcorp); PubMed 25736335 (cited by University Children's Hospital, University of Zurich).